The following is an entry in ClinVar:

NM_001394062.1(MACF1):c.4478+4A>G

Gene: MACF1 (microtubule actin crosslinking factor 1; plus strand). Cytogenetic location: 1p34.3.
Variant type: single nucleotide variant.
Coding change: c.4478+4A>G on transcript NM_001394062.1 (MANE Select); 4 bases into the intron after coding-DNA position 4478, A replaced by G.
Molecular consequence: intron variant.
Genome position (GRCh38, 1-based): chr1:39,324,738, A>G. VCF-style: chr1-39324738-A-G. GRCh37 (hg19) VCF-style: chr1-39790410-A-G.
Other names: c.4493+4A>G (NM_012090.5).
Identifiers: ClinVar variation 2793041 (VCV002793041.3), dbSNP rs1307336411, ClinGen allele CA522379413.

ClinVar aggregate classification (germline): Uncertain significance (1 of 4 stars; one submission).

Allele frequency attached by ClinVar (database versions not stated): gnomAD exomes below 0.00001; TOPMed below 0.00001.
gnomAD v4.1: 2 of 1,606,860 alleles (0.00012%); highest among the groups gnomAD compares: Admixed American, 0.0017%; no homozygotes.

Submission:

Labcorp Genetics (formerly Invitae), Labcorp
Classification: Uncertain significance. Last evaluated: 2023-04-18. Review status: criteria provided, single submitter. Criteria: Invitae Variant Classification Sherloc (09022015). Collection method: clinical testing. Allele origin: germline.
Comment: This sequence change falls in intron 34 of the MACF1 gene. It does not directly change the encoded amino acid sequence of the MACF1 protein. It affects a nucleotide within the consensus splice site. This variant is present in population databases (no rsID available, gnomAD 0.003%). This variant has not been reported in the literature in individuals affected with MACF1-related conditions. Variants that disrupt the consensus splice site are a relatively common cause of aberrant splicing (PMID: 17576681, 9536098). Algorithms developed to predict the effect of sequence changes on RNA splicing suggest that this variant may create or strengthen a splice site. In summary, the available evidence is currently insufficient to determine the role of this variant in disease. Therefore, it has been classified as a Variant of Uncertain Significance.

Literature cited by the submitters: PubMed 17576681; PubMed 9536098.